The following is an entry in ClinVar:

ClinVar aggregate classification (germline): Uncertain significance (1 of 4 stars; one submission).

gnomAD v4.1: 2 of 1,603,986 alleles (0.00012%); highest among the groups gnomAD compares: Non-Finnish European, 0.00017%; no homozygotes.

Submission:

Labcorp Genetics (formerly Invitae), Labcorp
Classification: Uncertain significance. Last evaluated: 2022-02-06. Review status: criteria provided, single submitter. Criteria: Invitae Variant Classification Sherloc (09022015). Collection method: clinical testing. Allele origin: germline.
Comment: In summary, the available evidence is currently insufficient to determine the role of this variant in disease. Therefore, it has been classified as a Variant of Uncertain Significance. Advanced modeling of protein sequence and biophysical properties (such as structural, functional, and spatial information, amino acid conservation, physicochemical variation, residue mobility, and thermodynamic stability) performed at Invitae indicates that this missense variant is not expected to disrupt DCHS1 protein function. This variant has not been reported in the literature in individuals affected with DCHS1-related conditions. This variant is not present in population databases (gnomAD no frequency). This sequence change replaces alanine, which is neutral and non-polar, with glycine, which is neutral and non-polar, at codon 3116 of the DCHS1 protein (p.Ala3116Gly).

NM_003737.4(DCHS1):c.9347C>G (p.Ala3116Gly)

Gene: DCHS1 (dachsous cadherin-related 1; minus strand). Cytogenetic location: 11p15.4.
Variant type: single nucleotide variant.
Coding change: c.9347C>G on transcript NM_003737.4 (MANE Select); coding-DNA position 9347, C replaced by G.
Protein change: p.Ala3116Gly; replaces alanine 3116 with glycine.
Molecular consequence: missense variant.
Genome position (GRCh38, 1-based): chr11:6,622,329, G>C on the plus strand (C>G on the coding strand, the complement: DCHS1 is on the minus strand). VCF-style: chr11-6622329-G-C. GRCh37 (hg19) VCF-style: chr11-6643560-G-C.
Other names: short protein forms A3116G.
Identifiers: ClinVar variation 1943092 (VCV001943092.5), dbSNP rs1855709221, ClinGen allele CA379478929.